The following is an entry in ClinVar:

ClinVar aggregate classification (germline): Uncertain significance (1 of 4 stars; one submission).

Allele frequency attached by ClinVar (database versions not stated): gnomAD 0.00002; TOPMed 0.00002; gnomAD exomes 0.00003.

Submission:

Labcorp Genetics (formerly Invitae), Labcorp
Classification: Uncertain significance. Last evaluated: 2023-03-13. Review status: criteria provided, single submitter. Criteria: Invitae Variant Classification Sherloc (09022015). Collection method: clinical testing. Allele origin: germline.
Comment: In summary, the available evidence is currently insufficient to determine the role of this variant in disease. Therefore, it has been classified as a Variant of Uncertain Significance. An algorithm developed to predict the effect of missense changes on protein structure and function (PolyPhen-2) suggests that this variant is likely to be tolerated. ClinVar contains an entry for this variant (Variation ID: 2188766). This variant has not been reported in the literature in individuals affected with TMEM240-related conditions. This variant is present in population databases (no rsID available, gnomAD 0.06%), and has an allele count higher than expected for a pathogenic variant. This sequence change replaces phenylalanine, which is neutral and non-polar, with serine, which is neutral and polar, at codon 148 of the TMEM240 protein (p.Phe148Ser).

NM_001114748.2(TMEM240):c.443T>C (p.Phe148Ser)

Gene: TMEM240 (transmembrane protein 240; minus strand). Cytogenetic location: 1p36.33.
Variant type: single nucleotide variant.
Coding change: c.443T>C on transcript NM_001114748.2 (MANE Select); coding-DNA position 443, T replaced by C.
Protein change: p.Phe148Ser; replaces phenylalanine 148 with serine.
Molecular consequence: missense variant.
Genome position (GRCh38, 1-based): chr1:1,535,438, A>G on the plus strand (T>C on the coding strand, the complement: TMEM240 is on the minus strand). VCF-style: chr1-1535438-A-G. GRCh37 (hg19) VCF-style: chr1-1470818-A-G.
Other names: short protein forms F148S.
Identifiers: ClinVar variation 2188766 (VCV002188766.4), dbSNP rs943245509, ClinGen allele CA16796621.
Genomic context (GRCh38, chr1:1,535,438, plus strand): 5'-GGGTGGCCATTGTGGTAGAGTTTCTGCTTCACGTGTACCATGTTCCCGGCGGCCTCCTCG[A>G]AGGGCCTGTGCGGCCGCCGGCCCAGCTCCCGCAGGCTGCACAGCTTGGGCAGCCAGGTCC-3'
Protein context (NP_001108220.1, residues 138-158): RELGRRPHRP[Phe148Ser]EEAAGNMVHV